The following is an entry in ClinVar:

ClinVar aggregate classification (germline): Uncertain significance (1 of 4 stars; one submission).

Conditions:
Early-infantile DEE. Also called: Ohtahara syndrome; Early infantile epileptic encephalopathy with suppression bursts; Early infantile epileptic encephalopathy. Identifiers: Orphanet 1934, MedGen C0393706, MONDO:0800491.

Allele frequency attached by ClinVar (database versions not stated): gnomAD exomes below 0.00001; TOPMed below 0.00001; gnomAD 0.00001; ExAC 0.00002; ESP Exome Variant Server 0.00008.
gnomAD v4.1: 2 of 1,603,014 alleles (0.00012%); highest among the groups gnomAD compares: African/African-American, 0.0027%; no homozygotes.

Submission:

Labcorp Genetics (formerly Invitae), Labcorp
Classification: Uncertain significance for Early-infantile DEE. Last evaluated: 2025-06-12. Review status: criteria provided, single submitter. Criteria: Invitae Variant Classification Sherloc (09022015). Collection method: clinical testing. Allele origin: germline.
Comment: This sequence change replaces valine, which is neutral and non-polar, with isoleucine, which is neutral and non-polar, at codon 1166 of the SCN8A protein (p.Val1166Ile). The frequency data for this variant in the population databases is considered unreliable, as metrics indicate poor data quality at this position in the gnomAD database. This variant has not been reported in the literature in individuals affected with SCN8A-related conditions. ClinVar contains an entry for this variant (Variation ID: 1005887). Invitae Evidence Modeling of protein sequence and biophysical properties (such as structural, functional, and spatial information, amino acid conservation, physicochemical variation, residue mobility, and thermodynamic stability) indicates that this missense variant is not expected to disrupt SCN8A protein function with a negative predictive value of 95%. In summary, the available evidence is currently insufficient to determine the role of this variant in disease. Therefore, it has been classified as a Variant of Uncertain Significance.

NM_001330260.2(SCN8A):c.3496G>A (p.Val1166Ile)

Gene: SCN8A (sodium voltage-gated channel alpha subunit 8; plus strand). Cytogenetic location: 12q13.13.
Variant type: single nucleotide variant.
Coding change: c.3496G>A on transcript NM_001330260.2 (MANE Select); coding-DNA position 3496, G replaced by A.
Protein change: p.Val1166Ile; replaces valine 1166 with isoleucine.
Molecular consequence: missense variant.
Genome position (GRCh38, 1-based): chr12:51,770,534, G>A. VCF-style: chr12-51770534-G-A. GRCh37 (hg19) VCF-style: chr12-52164318-G-A.
Other names: c.3496G>A, p.Val1166Ile (NM_001177984.3, NM_001369788.1, NM_014191.4); short protein forms V1166I.
Identifiers: ClinVar variation 1005887 (VCV001005887.9), dbSNP rs376406345, ClinGen allele CA6571626.